The following is an entry in ClinVar:

ClinVar aggregate classification (germline): Uncertain significance (1 of 4 stars; one submission).

Conditions:
Hypertrophic cardiomyopathy. Also called: HYPERTROPHIC MYOCARDIOPATHY. Identifiers: Orphanet 217569, MedGen C0007194, MeSH D002312, MONDO:0005045, HP:0001639.

Submission:

Labcorp Genetics (formerly Invitae), Labcorp
Classification: Uncertain significance for Hypertrophic cardiomyopathy. Last evaluated: 2026-01-06. Review status: criteria provided, single submitter. Criteria: Invitae Variant Classification Sherloc (09022015). Collection method: clinical testing. Allele origin: germline.
Comment: This sequence change replaces tryptophan, which is neutral and slightly polar, with cysteine, which is neutral and slightly polar, at codon 711 of the MYBPC3 protein (p.Trp711Cys). This variant is not present in population databases (gnomAD no frequency). This variant has not been reported in the literature in individuals affected with MYBPC3-related conditions. An algorithm developed to predict the effect of missense changes on protein structure and function (PolyPhen-2) suggests that this variant is likely to be tolerated. In summary, the available evidence is currently insufficient to determine the role of this variant in disease. Therefore, it has been classified as a Variant of Uncertain Significance.

NM_000256.3(MYBPC3):c.2133G>T (p.Trp711Cys)

Gene: MYBPC3 (myosin binding protein C3; minus strand). Cytogenetic location: 11p11.2.
Variant type: single nucleotide variant.
Coding change: c.2133G>T on transcript NM_000256.3 (MANE Select); coding-DNA position 2133, G replaced by T.
Protein change: p.Trp711Cys; replaces tryptophan 711 with cysteine.
Molecular consequence: missense variant.
Genome position (GRCh38, 1-based): chr11:47,339,339, C>A on the plus strand (G>T on the coding strand, the complement: MYBPC3 is on the minus strand). VCF-style: chr11-47339339-C-A. GRCh37 (hg19) VCF-style: chr11-47360890-C-A.
Other names: short protein forms W711C.
Identifiers: ClinVar variation 4734796 (VCV004734796.1).